The following is an entry in ClinVar:

ClinVar aggregate classification (germline): Uncertain significance (1 of 4 stars; one submission).

gnomAD v4.1: 1 of 1,613,812 alleles (0.000062%); no homozygotes.

Submission:

Labcorp Genetics (formerly Invitae), Labcorp
Classification: Uncertain significance. Last evaluated: 2024-05-01. Review status: criteria provided, single submitter. Criteria: Invitae Variant Classification Sherloc (09022015). Collection method: clinical testing. Allele origin: germline.
Comment: This sequence change replaces threonine, which is neutral and polar, with isoleucine, which is neutral and non-polar, at codon 296 of the RIMS1 protein (p.Thr296Ile). This variant is not present in population databases (gnomAD no frequency). This variant has not been reported in the literature in individuals affected with RIMS1-related conditions. An algorithm developed to predict the effect of missense changes on protein structure and function (PolyPhen-2) suggests that this variant is likely to be tolerated. In summary, the available evidence is currently insufficient to determine the role of this variant in disease. Therefore, it has been classified as a Variant of Uncertain Significance.

NM_014989.7(RIMS1):c.887C>T (p.Thr296Ile)

Gene: RIMS1 (regulating synaptic membrane exocytosis 1; plus strand). Cytogenetic location: 6q13.
Variant type: single nucleotide variant.
Coding change: c.887C>T on transcript NM_014989.7 (MANE Select); coding-DNA position 887, C replaced by T.
Protein change: p.Thr296Ile; replaces threonine 296 with isoleucine.
Molecular consequence: missense variant.
Genome position (GRCh38, 1-based): chr6:72,182,358, C>T. VCF-style: chr6-72182358-C-T. GRCh37 (hg19) VCF-style: chr6-72892061-C-T.
Other names: short protein forms T296I.
Identifiers: ClinVar variation 3641361 (VCV003641361.2).